The following is an entry in ClinVar:

ClinVar aggregate classification (germline): Benign (1 of 4 stars; one submission).

Conditions:
Parietal foramina 2 (PFM2). Identifiers: Orphanet 60015, MedGen C1865044, MONDO:0012309, OMIM 609597.

Allele frequency attached by ClinVar (database versions not stated): gnomAD 0.00645 and 0.00680; 1000 Genomes Project 30x 0.00703; TOPMed 0.00724; 1000 Genomes Project 0.00739.

Submission:

Illumina Laboratory Services, Illumina
Classification: Benign for Parietal foramina 2. Last evaluated: 2018-01-13. Review status: criteria provided, single submitter. Criteria: ICSL Variant Classification Criteria 13 December 2019. Collection method: clinical testing. Allele origin: germline.
Comment: This variant was observed in the ICSL laboratory as part of a predisposition screen in an ostensibly healthy population. It had not been previously curated by ICSL or reported in the Human Gene Mutation Database (HGMD: prior to June 1st, 2018), and was therefore a candidate for classification through an automated scoring system. Utilizing variant allele frequency, disease prevalence and penetrance estimates, and inheritance mode, an automated score was calculated to assess if this variant is too frequent to cause the disease. Based on the score and internal cut-off values, a variant classified as benign is not then subjected to further curation. The score for this variant resulted in a classification of benign for this disease.

NM_021926.4(ALX4):c.*1345G>A

Gene: ALX4 (ALX homeobox 4; minus strand). Cytogenetic location: 11p11.2.
Variant type: single nucleotide variant.
Coding change: c.*1345G>A on transcript NM_021926.4 (MANE Select); 1345 bases downstream of the stop codon, G replaced by A.
Molecular consequence: 3 prime UTR variant.
Genome position (GRCh38, 1-based): chr11:44,263,509, C>T on the plus strand (G>A on the coding strand, the complement: ALX4 is on the minus strand). VCF-style: chr11-44263509-C-T. GRCh37 (hg19) VCF-style: chr11-44285059-C-T.
Other names: c.*1345G>A (LRG_1256t1).
Identifiers: ClinVar variation 304663 (VCV000304663.5), dbSNP rs113781536, ClinGen allele CA10630887.